The following is an entry in ClinVar:

ClinVar aggregate classification (germline): Uncertain significance (1 of 4 stars; one submission).

Submission:

Labcorp Genetics (formerly Invitae), Labcorp
Classification: Uncertain significance. Last evaluated: 2022-08-21. Review status: criteria provided, single submitter. Criteria: Invitae Variant Classification Sherloc (09022015). Collection method: clinical testing. Allele origin: germline.
Comment: In summary, the available evidence is currently insufficient to determine the role of this variant in disease. Therefore, it has been classified as a Variant of Uncertain Significance. Variants that disrupt the consensus splice site are a relatively common cause of aberrant splicing (PMID: 17576681, 9536098). Algorithms developed to predict the effect of sequence changes on RNA splicing suggest that this variant is not likely to affect RNA splicing. This variant has not been reported in the literature in individuals affected with SEPT9-related conditions. This variant is not present in population databases (gnomAD no frequency). This sequence change affects codon 474 of the SEPT9 mRNA. It is a 'silent' change, meaning that it does not change the encoded amino acid sequence of the SEPT9 protein. This variant also falls at the last nucleotide of exon 8, which is part of the consensus splice site for this exon.

Literature cited by the submitters: PubMed 17576681; PubMed 9536098.

NM_001113491.2(SEPTIN9):c.1476G>A (p.Arg492=)

Gene: SEPTIN9 (septin 9; plus strand). Cytogenetic location: 17q25.3.
Variant type: single nucleotide variant.
Coding change: c.1476G>A on transcript NM_001113491.2 (MANE Select); coding-DNA position 1476, G replaced by A.
Protein change: p.Arg492=; no amino-acid change (arginine 492 retained).
Molecular consequence: synonymous variant.
Genome position (GRCh38, 1-based): chr17:77,492,716, G>A. VCF-style: chr17-77492716-G-A. GRCh37 (hg19) VCF-style: chr17-75488798-G-A.
Other names: c.984G>A, p.Arg328= (NM_001113492.2, NM_001113494.1); c.1455G>A, p.Arg485= (NM_001113493.2); c.723G>A, p.Arg241= (NM_001113495.2, NM_001113496.2, NM_001293697.2 and 1 more transcripts); c.1419G>A, p.Arg473= (NM_001293695.2); c.804G>A, p.Arg268= (NM_001293696.2); c.1422G>A, p.Arg474= (NM_006640.5).
Identifiers: ClinVar variation 2445585 (VCV002445585.4), dbSNP rs2510122624, ClinGen allele CA501955680.